The following is an entry in ClinVar:

NM_020765.3(UBR4):c.11127C>G (p.Ala3709=)

Gene: UBR4 (ubiquitin protein ligase E3 component n-recognin 4; minus strand). Cytogenetic location: 1p36.13.
Variant type: single nucleotide variant.
Coding change: c.11127C>G on transcript NM_020765.3 (MANE Select); coding-DNA position 11127, C replaced by G.
Protein change: p.Ala3709=; no amino-acid change (alanine 3709 retained).
Molecular consequence: synonymous variant.
Genome position (GRCh38, 1-based): chr1:19,114,886, G>C on the plus strand (C>G on the coding strand, the complement: UBR4 is on the minus strand). VCF-style: chr1-19114886-G-C. GRCh37 (hg19) VCF-style: chr1-19441380-G-C.
Identifiers: ClinVar variation 3053774 (VCV003053774.2), dbSNP rs141261941, ClinGen allele CA649053.
Genomic context (GRCh38, chr1:19,114,886, plus strand): 5'-TTCATTCTCAATGGGATCCACTGCACAGCAAGGCTTGGCATAGAGCATGAAGTCGAAGCG[G>C]GCATATTTACAGAAGCCACAGGCATTGCAGAGGAAGGGATCCTTTTCATCGTAGTTGATG-3'
Protein context (NP_065816.2, residues 3699-3719): LCNACGFCKY[Ala3709=]RFDFMLYAKP

ClinVar aggregate classification (germline): Likely benign (0 of 4 stars; one submission).

Conditions:
UBR4-related disorder. Also called: UBR4-related condition.

Allele frequency attached by ClinVar (database versions not stated): gnomAD 0.00005.
gnomAD v4.1: 74 of 1,614,074 alleles (0.0046%); highest among the groups gnomAD compares: East Asian, 0.031%; no homozygotes.

Submission:

PreventionGenetics, part of Exact Sciences
Classification: Likely benign for UBR4-related condition. Last evaluated: 2019-10-28. Review status: no assertion criteria provided. Collection method: clinical testing. Allele origin: germline.
Comment: This variant is classified as likely benign based on ACMG/AMP sequence variant interpretation guidelines (Richards et al. 2015 PMID: 25741868, with internal and published modifications).